The following is an entry in ClinVar:

ClinVar aggregate classification (germline): Uncertain significance (1 of 4 stars; one submission).

Submission:

Labcorp Genetics (formerly Invitae), Labcorp
Classification: Uncertain significance. Last evaluated: 2024-01-29. Review status: criteria provided, single submitter. Criteria: Invitae Variant Classification Sherloc (09022015). Collection method: clinical testing. Allele origin: germline.
Comment: This sequence change replaces serine, which is neutral and polar, with proline, which is neutral and non-polar, at codon 338 of the KRT1 protein (p.Ser338Pro). This variant is not present in population databases (gnomAD no frequency). This missense change has been observed in individual(s) with clinical features of KRT1-related condittions (Invitae). ClinVar contains an entry for this variant (Variation ID: 1352039). Advanced modeling of protein sequence and biophysical properties (such as structural, functional, and spatial information, amino acid conservation, physicochemical variation, residue mobility, and thermodynamic stability) has been performed at Invitae for this missense variant, however the output from this modeling did not meet the statistical confidence thresholds required to predict the impact of this variant on KRT1 protein function. In summary, the available evidence is currently insufficient to determine the role of this variant in disease. Therefore, it has been classified as a Variant of Uncertain Significance.

NM_006121.4(KRT1):c.1012T>C (p.Ser338Pro)

Gene: KRT1 (keratin 1; minus strand). Cytogenetic location: 12q13.13.
Variant type: single nucleotide variant.
Coding change: c.1012T>C on transcript NM_006121.4 (MANE Select); coding-DNA position 1012, T replaced by C.
Protein change: p.Ser338Pro; replaces serine 338 with proline.
Molecular consequence: missense variant.
Genome position (GRCh38, 1-based): chr12:52,677,432, A>G on the plus strand (T>C on the coding strand, the complement: KRT1 is on the minus strand). VCF-style: chr12-52677432-A-G. GRCh37 (hg19) VCF-style: chr12-53071216-A-G.
Other names: short protein forms S338P.
Identifiers: ClinVar variation 1352039 (VCV001352039.6), dbSNP rs2121004096, ClinGen allele CA384968022.